The following is an entry in ClinVar:

ClinVar aggregate classification (germline): Uncertain significance (1 of 4 stars; one submission).

Conditions:
Hereditary cancer-predisposing syndrome. Also called: Hereditary neoplastic syndrome; Tumor predisposition; Hereditary Cancer Syndrome; Neoplastic Syndromes, Hereditary. Identifiers: Orphanet 140162, MedGen C0027672, MeSH D009386, MONDO:0015356.

Submission:

Ambry Genetics
Classification: Uncertain significance for Hereditary cancer-predisposing syndrome. Last evaluated: 2023-08-29. Review status: criteria provided, single submitter. Criteria: Ambry Variant Classification Scheme 2023. Collection method: clinical testing. Allele origin: germline.
Comment: The p.N2146D variant (also known as c.6436A>G), located in coding exon 10 of the BRCA2 gene, results from an A to G substitution at nucleotide position 6436. The asparagine at codon 2146 is replaced by aspartic acid, an amino acid with highly similar properties. This amino acid position is conserved. In addition, this alteration is predicted to be tolerated by in silico analysis. Since supporting evidence is limited at this time, the clinical significance of this alteration remains unclear.

NM_000059.4(BRCA2):c.6436A>G (p.Asn2146Asp)

Gene: BRCA2 (BRCA2 DNA repair associated; plus strand). Cytogenetic location: 13q13.1.
Variant type: single nucleotide variant.
Coding change: c.6436A>G on transcript NM_000059.4 (MANE Select); coding-DNA position 6436, A replaced by G.
Protein change: p.Asn2146Asp; replaces asparagine 2146 with aspartic acid.
Molecular consequence: missense variant. On other transcripts: non-coding transcript variant (1), intron variant (2).
Genome position (GRCh38, 1-based): chr13:32,340,791, A>G. VCF-style: chr13-32340791-A-G. GRCh37 (hg19) VCF-style: chr13-32914928-A-G.
Other names: c.6436A>G, p.Asn2146Asp (NM_001406719.1, NM_001406720.1); c.1910-3767A>G (NM_001406721.1); c.425-3767A>G (NM_001406722.1); short protein forms N2146D.
Identifiers: ClinVar variation 2586311 (VCV002586311.2), dbSNP rs1566234599, ClinGen allele CA387789302.